The following is an entry in ClinVar:

NM_002691.4(POLD1):c.1160T>C (p.Ile387Thr)

Gene: POLD1 (DNA polymerase delta 1, catalytic subunit; plus strand). Cytogenetic location: 19q13.33.
Variant type: single nucleotide variant.
Coding change: c.1160T>C on transcript NM_002691.4 (MANE Select); coding-DNA position 1160, T replaced by C.
Protein change: p.Ile387Thr; replaces isoleucine 387 with threonine.
Molecular consequence: missense variant. On other transcripts: non-coding transcript variant (1).
Genome position (GRCh38, 1-based): chr19:50,403,515, T>C. VCF-style: chr19-50403515-T-C. GRCh37 (hg19) VCF-style: chr19-50906772-T-C.
Other names: c.1160T>C, p.Ile387Thr (NM_001256849.1, NM_001308632.1); short protein forms I387T.
Identifiers: ClinVar variation 1466220 (VCV001466220.8), dbSNP rs2122277734, ClinGen allele CA406978468.

ClinVar aggregate classification (germline): Uncertain significance (1 of 4 stars; one submission).

Conditions:
POLD1-related polyposis and colorectal cancer syndrome (CRCS10). Also called: Colorectal cancer 10; COLORECTAL CANCER, SUSCEPTIBILITY TO, ON CHROMOSOME 19q; Colorectal cancer, susceptibility to, 10. Identifiers: Orphanet 220460, MedGen C2675481, MONDO:0012953, OMIM 612591.

Submission:

Labcorp Genetics (formerly Invitae), Labcorp
Classification: Uncertain significance for POLD1-related polyposis and colorectal cancer syndrome. Last evaluated: 2021-03-21. Review status: criteria provided, single submitter. Criteria: Invitae Variant Classification Sherloc (09022015). Collection method: clinical testing. Allele origin: germline.
Comment: This variant is not present in population databases (ExAC no frequency). In summary, the available evidence is currently insufficient to determine the role of this variant in disease. Therefore, it has been classified as a Variant of Uncertain Significance. Algorithms developed to predict the effect of missense changes on protein structure and function output the following: SIFT: "Tolerated"; PolyPhen-2: "Benign"; Align-GVGD: "Class C0". The threonine amino acid residue is found in multiple mammalian species, suggesting that this missense change does not adversely affect protein function. These predictions have not been confirmed by published functional studies and their clinical significance is uncertain. This variant has not been reported in the literature in individuals with POLD1-related conditions. This sequence change replaces isoleucine with threonine at codon 387 of the POLD1 protein (p.Ile387Thr). The isoleucine residue is weakly conserved and there is a moderate physicochemical difference between isoleucine and threonine.